The following is an entry in ClinVar:

ClinVar aggregate classification (germline): Uncertain significance. Review status: criteria provided, multiple submitters, no conflicts (2 of 4 stars). 3 submissions from 3 submitters: Uncertain significance (3). Last evaluated 2024-09-18.

Allele frequency attached by ClinVar (database versions not stated): ExAC 0.00002; gnomAD exomes 0.00002 and 0.00006; gnomAD 0.00004; TOPMed 0.00004; ESP Exome Variant Server 0.00008.

Submissions (3):

Labcorp Genetics (formerly Invitae), Labcorp
Classification: Uncertain significance. Last evaluated: 2024-09-18. Review status: criteria provided, single submitter. Criteria: Invitae Variant Classification Sherloc (09022015). Collection method: clinical testing. Allele origin: germline.
Comment: This sequence change replaces proline, which is neutral and non-polar, with serine, which is neutral and polar, at codon 100 of the SP7 protein (p.Pro100Ser). This variant is present in population databases (rs370592247, gnomAD 0.004%). This variant has not been reported in the literature in individuals affected with SP7-related conditions. ClinVar contains an entry for this variant (Variation ID: 1347155). An algorithm developed to predict the effect of missense changes on protein structure and function (PolyPhen-2) suggests that this variant¬†is likely to be tolerated. In summary, the available evidence is currently insufficient to determine the role of this variant in disease. Therefore, it has been classified as a Variant of Uncertain Significance.

Ambry Genetics
Classification: Uncertain significance. Last evaluated: 2024-06-04. Review status: criteria provided, single submitter. Criteria: Ambry Variant Classification Scheme 2023. Collection method: clinical testing. Allele origin: germline.

GeneDx
Classification: Uncertain significance. Last evaluated: 2022-07-29. Review status: criteria provided, single submitter. Criteria: GeneDx Variant Classification Process June 2021. Collection method: clinical testing. Allele origin: germline. Affected: yes.
Comment: In silico analysis supports that this missense variant does not alter protein structure/function; Has not been previously published as pathogenic or benign to our knowledge

NM_001173467.3(SP7):c.298C>T (p.Pro100Ser)

Gene: SP7 (Sp7 transcription factor; minus strand). Cytogenetic location: 12q13.13.
Variant type: single nucleotide variant.
Coding change: c.298C>T on transcript NM_001173467.3 (MANE Select); coding-DNA position 298, C replaced by T.
Protein change: p.Pro100Ser; replaces proline 100 with serine.
Molecular consequence: missense variant.
Genome position (GRCh38, 1-based): chr12:53,329,144, G>A on the plus strand (C>T on the coding strand, the complement: SP7 is on the minus strand). VCF-style: chr12-53329144-G-A. GRCh37 (hg19) VCF-style: chr12-53722928-G-A.
Other names: c.244C>T, p.Pro82Ser (NM_001300837.2); c.298C>T, p.Pro100Ser (NM_152860.2); c.298C>T (NM_001173467.2, NM_001173467.1); short protein forms P82S, P100S.
Identifiers: ClinVar variation 1347155 (VCV001347155.10), dbSNP rs370592247, ClinGen allele CA6599585.